The following is an entry in ClinVar:

ClinVar aggregate classification (germline): Likely pathogenic (1 of 4 stars; one submission).

Allele frequency attached by ClinVar (database versions not stated): gnomAD exomes below 0.00001.
gnomAD v4.1: 1 of 1,613,928 alleles (0.000062%); highest among the groups gnomAD compares: Non-Finnish European, 0.000085%; no homozygotes.

Submission:

Labcorp Genetics (formerly Invitae), Labcorp
Classification: Likely pathogenic. Last evaluated: 2023-05-23. Review status: criteria provided, single submitter. Criteria: Invitae Variant Classification Sherloc (09022015). Collection method: clinical testing. Allele origin: germline.
Comment: This sequence change replaces threonine, which is neutral and polar, with alanine, which is neutral and non-polar, at codon 972 of the ABCA4 protein (p.Thr972Ala). In summary, the currently available evidence indicates that the variant is pathogenic, but additional data are needed to prove that conclusively. Therefore, this variant has been classified as Likely Pathogenic. This variant disrupts the p.Thr972 amino acid residue in ABCA4. Other variant(s) that disrupt this residue have been determined to be pathogenic (PMID: 28041643, 28559085, 29925512). This suggests that this residue is clinically significant, and that variants that disrupt this residue are likely to be disease-causing. Advanced modeling of protein sequence and biophysical properties (such as structural, functional, and spatial information, amino acid conservation, physicochemical variation, residue mobility, and thermodynamic stability) performed at Invitae indicates that this missense variant is expected to disrupt ABCA4 protein function. This variant has not been reported in the literature in individuals affected with ABCA4-related conditions. This variant is not present in population databases (gnomAD no frequency).

Literature cited by the submitters: PubMed 28041643; PubMed 28559085; PubMed 29925512.

NM_000350.3(ABCA4):c.2914A>G (p.Thr972Ala)

Gene: ABCA4 (ATP binding cassette subfamily A member 4; minus strand). Cytogenetic location: 1p22.1.
Variant type: single nucleotide variant.
Coding change: c.2914A>G on transcript NM_000350.3 (MANE Select); coding-DNA position 2914, A replaced by G.
Protein change: p.Thr972Ala; replaces threonine 972 with alanine.
Molecular consequence: missense variant.
Genome position (GRCh38, 1-based): chr1:94,046,923, T>C on the plus strand (A>G on the coding strand, the complement: ABCA4 is on the minus strand). VCF-style: chr1-94046923-T-C. GRCh37 (hg19) VCF-style: chr1-94512479-T-C.
Other names: c.2692A>G, p.Thr898Ala (NM_001425324.1); short protein forms T972A, T898A.
Identifiers: ClinVar variation 2851918 (VCV002851918.3), dbSNP rs1570377836, ClinGen allele CA341275291.